The following is an entry in ClinVar:

ClinVar aggregate classification (germline): Benign/Likely benign. Review status: criteria provided, multiple submitters, no conflicts (2 of 4 stars). 10 submissions from 10 submitters: Benign (6); Likely benign (1). 3 of the submissions do not count toward it. Last evaluated 2026-05-09.

Conditions:
Deficiency of iodide peroxidase (TDH2A). Also called: HYPOTHYROIDISM, CONGENITAL, DUE TO DYSHORMONOGENESIS, 2A; IODIDE PEROXIDASE DEFICIENCY; THYROID HORMONOGENESIS, GENETIC DEFECT IN, 2A; THYROID PEROXIDASE DEFICIENCY; Thyroid dyshormonogenesis 2A. Identifiers: Orphanet 95716, MedGen C1291299, MONDO:0010133, OMIM 274500.

Allele frequency attached by ClinVar (database versions not stated): 1000 Genomes Project 30x 0.30871; 1000 Genomes Project 0.31170; TOPMed 0.35296; ESP Exome Variant Server 0.35530.
gnomAD v4.1: 600,183 of 1,611,858 alleles (37%); highest among the groups gnomAD compares: Admixed American, 41%; 113,519 homozygotes.

Submissions (10):

Women's Health and Genetics/Laboratory Corporation of America, LabCorp
Classification: Benign. Last evaluated: 2026-05-09. Review status: criteria provided, single submitter. Criteria: LabCorp Variant Classification Summary - May 2015. Collection method: clinical testing. Allele origin: germline.

Labcorp Genetics (formerly Invitae), Labcorp
Classification: Benign. Last evaluated: 2026-02-04. Review status: criteria provided, single submitter. Criteria: Invitae Variant Classification Sherloc (09022015). Collection method: clinical testing. Allele origin: germline.

Blueprint Genetics
Classification: Likely benign. Last evaluated: 2024-11-26. Review status: criteria provided, single submitter. Criteria: ACMG Guidelines, 2015. Collection method: clinical testing. Allele origin: germline.

GeneDx
Classification: Benign. Last evaluated: 2018-11-12. Review status: criteria provided, single submitter. Criteria: GeneDx Variant Classification Process June 2021. Collection method: clinical testing. Allele origin: germline. Affected: yes.

Illumina Laboratory Services, Illumina
Classification: Benign for Deficiency of iodide peroxidase. Last evaluated: 2018-01-12. Review status: criteria provided, single submitter. Criteria: ICSL Variant Classification Criteria 13 December 2019. Collection method: clinical testing. Allele origin: germline.
Comment: This variant was observed in the ICSL laboratory as part of a predisposition screen in an ostensibly healthy population. It had not been previously curated by ICSL or reported in the Human Gene Mutation Database (HGMD: prior to June 1st, 2018), and was therefore a candidate for classification through an automated scoring system. Utilizing variant allele frequency, disease prevalence and penetrance estimates, and inheritance mode, an automated score was calculated to assess if this variant is too frequent to cause the disease. Based on the score and internal cut-off values, a variant classified as benign is not then subjected to further curation. The score for this variant resulted in a classification of benign for this disease.

Breakthrough Genomics
Classification: Benign. Review status: criteria provided, single submitter. Criteria: ACMG Guidelines, 2015. Collection method: not provided. Allele origin: germline. Inheritance: Autosomal recessive inheritance. Affected: yes.

PreventionGenetics, part of Exact Sciences
Classification: Benign. Review status: criteria provided, single submitter. Criteria: ACMG Guidelines, 2015. Collection method: clinical testing. Allele origin: germline.

Clinical Genetics DNA and cytogenetics Diagnostics Lab, Erasmus MC, Erasmus Medical Center
Classification: Benign. Review status: no assertion criteria provided. Collection method: clinical testing. Allele origin: germline. Affected: yes. Study: VKGL Data-share Consensus. Not counted in ClinVar's aggregate classification.

Clinical Genetics, Academic Medical Center
Classification: Benign. Review status: no assertion criteria provided. Collection method: clinical testing. Allele origin: germline. Affected: yes. Study: VKGL Data-share Consensus. Not counted in ClinVar's aggregate classification.

Diagnostic Laboratory, Department of Genetics, University Medical Center Groningen
Classification: Benign for Deficiency of iodide peroxidase. Review status: no assertion criteria provided. Collection method: clinical testing. Allele origin: germline. Affected: yes. Study: VKGL Data-share Consensus. Not counted in ClinVar's aggregate classification.

NM_001206744.2(TPO):c.12C>G (p.Leu4=)

Gene: TPO (thyroid peroxidase; plus strand). Cytogenetic location: 2p25.3.
Variant type: single nucleotide variant.
Coding change: c.12C>G on transcript NM_001206744.2 (MANE Select); coding-DNA position 12, C replaced by G.
Protein change: p.Leu4=; no amino-acid change (leucine 4 retained).
Molecular consequence: synonymous variant.
Genome position (GRCh38, 1-based): chr2:1,414,420, C>G. VCF-style: chr2-1414420-C-G. GRCh37 (hg19) VCF-style: chr2-1418192-C-G.
Other names: c.12C>G, p.Leu4= (NM_000547.6, NM_001206745.2, NM_175719.4 and 2 more transcripts).
Identifiers: ClinVar variation 256607 (VCV000256607.16), dbSNP rs9678281, ClinGen allele CA1511260.